The following is an entry in ClinVar:

NM_003764.4(STX11):c.392A>G (p.Gln131Arg)

Gene: STX11 (syntaxin 11; plus strand). Cytogenetic location: 6q24.2.
Variant type: single nucleotide variant.
Coding change: c.392A>G on transcript NM_003764.4 (MANE Select); coding-DNA position 392, A replaced by G.
Protein change: p.Gln131Arg; replaces glutamine 131 with arginine.
Molecular consequence: missense variant.
Genome position (GRCh38, 1-based): chr6:144,187,019, A>G. VCF-style: chr6-144187019-A-G. GRCh37 (hg19) VCF-style: chr6-144508156-A-G.
Other names: c.392A>G (NM_003764.3); short protein forms Q131R.
Identifiers: ClinVar variation 1408425 (VCV001408425.5), dbSNP rs367778856, ClinGen allele CA4031696.

ClinVar aggregate classification (germline): Uncertain significance. Review status: criteria provided, multiple submitters, no conflicts (2 of 4 stars). 2 submissions from 2 submitters: Uncertain significance (2). Last evaluated 2025-04-03.

Conditions:
Inborn genetic diseases. Identifiers: MedGen C0950123, MeSH D030342.
Familial hemophagocytic lymphohistiocytosis 4 (FHL4). Also called: STX11-Related Familial Hemophagocytic Lymphohistiocytosis (STX11-fHLH). Identifiers: Orphanet 540, MedGen C1863728, MONDO:0011336, OMIM 603552.

Allele frequency attached by ClinVar (database versions not stated): ExAC 0.00001; ESP Exome Variant Server 0.00008.
gnomAD v4.1: 6 of 1,611,694 alleles (0.00037%); highest among the groups gnomAD compares: Admixed American, 0.0033%; no homozygotes.

Submissions (2):

Ambry Genetics
Classification: Uncertain significance for Inborn genetic diseases. Last evaluated: 2025-04-03. Review status: criteria provided, single submitter. Criteria: Ambry Variant Classification Scheme 2023. Collection method: clinical testing. Allele origin: germline.

Labcorp Genetics (formerly Invitae), Labcorp
Classification: Uncertain significance for Familial hemophagocytic lymphohistiocytosis 4. Last evaluated: 2025-01-12. Review status: criteria provided, single submitter. Criteria: Invitae Variant Classification Sherloc (09022015). Collection method: clinical testing. Allele origin: germline.
Comment: This sequence change replaces glutamine, which is neutral and polar, with arginine, which is basic and polar, at codon 131 of the STX11 protein (p.Gln131Arg). This variant is present in population databases (rs367778856, gnomAD 0.0009%). This variant has not been reported in the literature in individuals affected with STX11-related conditions. ClinVar contains an entry for this variant (Variation ID: 1408425). Invitae Evidence Modeling of protein sequence and biophysical properties (such as structural, functional, and spatial information, amino acid conservation, physicochemical variation, residue mobility, and thermodynamic stability) has been performed for this missense variant. However, the output from this modeling did not meet the statistical confidence thresholds required to predict the impact of this variant on STX11 protein function. In summary, the available evidence is currently insufficient to determine the role of this variant in disease. Therefore, it has been classified as a Variant of Uncertain Significance.